The following is an entry in ClinVar:

ClinVar aggregate classification (germline): Likely benign. Review status: criteria provided, multiple submitters, no conflicts (2 of 4 stars). 2 submissions from 2 submitters: Likely benign (2). Last evaluated 2026-02-01.

Allele frequency attached by ClinVar (database versions not stated): gnomAD 0.00003 and 0.00004; TOPMed 0.00004; ExAC 0.00007; ESP Exome Variant Server 0.00008.
gnomAD v4.1: 99 of 1,613,858 alleles (0.0061%); highest among the groups gnomAD compares: Non-Finnish European, 0.0081%; no homozygotes.

Submissions (2):

CeGaT Center for Human Genetics Tuebingen
Classification: Likely benign. Last evaluated: 2026-02-01. Review status: criteria provided, single submitter. Criteria: CeGaT Center For Human Genetics Tuebingen Variant Classification Criteria Version 2. Collection method: clinical testing. Allele origin: germline. Affected: yes. Observed: 2 variant alleles.
Comment: CACNA1E: BP4, BP7

Labcorp Genetics (formerly Invitae), Labcorp
Classification: Likely benign. Last evaluated: 2025-08-04. Review status: criteria provided, single submitter. Criteria: Invitae Variant Classification Sherloc (09022015). Collection method: clinical testing. Allele origin: germline.

NM_001205293.3(CACNA1E):c.6120G>A (p.Glu2040=)

Gene: CACNA1E (calcium voltage-gated channel subunit alpha1 E; plus strand). Cytogenetic location: 1q25.3.
Variant type: single nucleotide variant.
Coding change: c.6120G>A on transcript NM_001205293.3 (MANE Select); coding-DNA position 6120, G replaced by A.
Protein change: p.Glu2040=; no amino-acid change (glutamic acid 2040 retained).
Molecular consequence: synonymous variant.
Genome position (GRCh38, 1-based): chr1:181,794,956, G>A. VCF-style: chr1-181794956-G-A. GRCh37 (hg19) VCF-style: chr1-181764092-G-A.
Other names: c.5991G>A, p.Glu1997= (NM_000721.4); c.5934G>A, p.Glu1978= (NM_001205294.2).
Identifiers: ClinVar variation 1594006 (VCV001594006.15), dbSNP rs368783125, ClinGen allele CA1276325.
Genomic context (GRCh38, chr1:181,794,956, plus strand): 5'-ATTTTCCACTATTCGGGATAAGCGTTCAAATTCCTCGTGGTTGGAGGAATTCTCCATGGA[G>A]CGAAGCAGTGAAAATACCTACAAGTCCCGTCGCCGGAGTTACCACTCCTCCTTGCGGCTG-3'
Protein context (NP_001192222.1, residues 2030-2050): NSSWLEEFSM[Glu2040=]RSSENTYKSR